The following is an entry in ClinVar:

NM_014874.4(MFN2):c.661G>C (p.Asp221His)

Gene: MFN2 (mitofusin 2; plus strand). Cytogenetic location: 1p36.22.
Variant type: single nucleotide variant.
Coding change: c.661G>C on transcript NM_014874.4 (MANE Select); coding-DNA position 661, G replaced by C.
Protein change: p.Asp221His; replaces aspartic acid 221 with histidine.
Molecular consequence: missense variant.
Genome position (GRCh38, 1-based): chr1:11,998,831, G>C. VCF-style: chr1-11998831-G-C. GRCh37 (hg19) VCF-style: chr1-12058888-G-C.
Other names: c.661G>C, p.Asp221His (NM_001127660.2); short protein forms D221H.
Identifiers: ClinVar variation 657419 (VCV000657419.9), dbSNP rs1569842525, ClinGen allele CA338438197.

ClinVar aggregate classification (germline): Uncertain significance. Review status: criteria provided, multiple submitters, no conflicts (2 of 4 stars). 2 submissions from 2 submitters: Uncertain significance (2). Last evaluated 2022-06-04.

Conditions:
Charcot-Marie-Tooth disease type 2. Also called: Charcot-Marie-Tooth type 2. Identifiers: Orphanet 64746, MedGen C0270914, MONDO:0018993.
Charcot-Marie-Tooth disease. Also called: Charcot-Marie-Tooth Neuropathy; Charcot-Marie-Tooth Hereditary Neuropathy. Identifiers: Orphanet 166, MedGen C0007959, MONDO:0015626.

Submissions (2):

Labcorp Genetics (formerly Invitae), Labcorp
Classification: Uncertain significance for Charcot-Marie-Tooth disease type 2. Last evaluated: 2022-06-04. Review status: criteria provided, single submitter. Criteria: Invitae Variant Classification Sherloc (09022015). Collection method: clinical testing. Allele origin: germline.
Comment: Advanced modeling of protein sequence and biophysical properties (such as structural, functional, and spatial information, amino acid conservation, physicochemical variation, residue mobility, and thermodynamic stability) performed at Invitae indicates that this missense variant is expected to disrupt MFN2 protein function. In summary, the available evidence is currently insufficient to determine the role of this variant in disease. Therefore, it has been classified as a Variant of Uncertain Significance. This missense change has been observed in individual(s) with clinical features of MFN2-related conditions (PMID: 32376792). ClinVar contains an entry for this variant (Variation ID: 657419). This variant is not present in population databases (gnomAD no frequency). This sequence change replaces aspartic acid, which is acidic and polar, with histidine, which is basic and polar, at codon 221 of the MFN2 protein (p.Asp221His).

Molecular Genetics Laboratory, London Health Sciences Centre
Classification: Uncertain significance for Charcot-Marie-Tooth disease. Review status: criteria provided, single submitter. Criteria: ACMG Guidelines, 2015. Collection method: clinical testing. Allele origin: germline. Affected: yes.

Literature cited by the submitters: PubMed 32376792 (cited by Labcorp Genetics (formerly Invitae), Labcorp).